The following is an entry in ClinVar:

NM_001368894.2(PAX6):c.724+14T>A

Gene: PAX6 (paired box 6; minus strand). Cytogenetic location: 11p13.
Variant type: single nucleotide variant.
Coding change: c.724+14T>A on transcript NM_001368894.2 (MANE Select); 14 bases into the intron after coding-DNA position 724, T replaced by A.
Molecular consequence: intron variant.
Genome position (GRCh38, 1-based): chr11:31,794,616, A>T on the plus strand (T>A on the coding strand, the complement: PAX6 is on the minus strand). VCF-style: chr11-31794616-A-T. GRCh37 (hg19) VCF-style: chr11-31816164-A-T.
Other names: c.682+14T>A (NM_001127612.3, NM_001368890.2, NM_001368888.2 and 10 more transcripts); c.523+14T>A (NM_001368921.2, NM_001368923.2, NM_001368926.2 and 4 more transcripts); c.724+14T>A (NM_001258462.3, NM_001310158.2, NM_001258463.2 and 6 more transcripts); c.799+14T>A (NM_001368919.2, NM_001368918.2); c.925+14T>A (NM_001368910.2); c.274+14T>A (NM_001368909.2, NM_001368904.2, NM_001368905.2 and 11 more transcripts); c.727+14T>A (NM_001368911.2); c.481+14T>A (NM_001368928.2); and 2 more.
Identifiers: ClinVar variation 2691455 (VCV002691455.1), dbSNP rs758658747, ClinGen allele CA5933827.

ClinVar aggregate classification (germline): Likely benign (1 of 4 stars; one submission).

Allele frequency attached by ClinVar (database versions not stated): gnomAD exomes 0.00001; ExAC 0.00002; gnomAD 0.00002; TOPMed 0.00003.

Submission:

Women's Health and Genetics/Laboratory Corporation of America, LabCorp
Classification: Likely benign. Last evaluated: 2023-12-01. Review status: criteria provided, single submitter. Criteria: LabCorp Variant Classification Summary - May 2015. Collection method: clinical testing. Allele origin: germline.
Comment: Variant summary: PAX6 c.682+14T>A alters a non-conserved nucleotide located at a position not widely known to affect splicing. Consensus agreement among computation tools predict no significant impact on normal splicing. However, these predictions have yet to be confirmed by functional studies. The variant allele was found at a frequency of 8e-06 in 251418 control chromosomes. The available data on variant occurrences in the general population are insufficient to allow any conclusion about variant significance. To our knowledge, no occurrence of c.682+14T>A in individuals affected with PAX6-Related Disorders and no experimental evidence demonstrating its impact on protein function have been reported. No submitters have cited clinical-significance assessments for this variant to ClinVar after 2014. Based on the evidence outlined above, the variant was classified as likely benign.